The following is an entry in ClinVar:

ClinVar aggregate classification (germline): Uncertain significance (0 of 4 stars; one submission).

Conditions:
GNAS-related disorder. Identifiers: MedGen CN380105.

gnomAD v4.1: 2 of 1,604,214 alleles (0.00012%); highest among the groups gnomAD compares: South Asian, 0.0011%; no homozygotes.

Submission:

PreventionGenetics, part of Exact Sciences
Classification: Uncertain significance for GNAS-related condition. Last evaluated: 2023-12-14. Review status: no assertion criteria provided. Collection method: clinical testing. Allele origin: germline.
Comment: The GNAS c.595A>G variant is predicted to result in the amino acid substitution p.Lys199Glu. In an alternate transcript (NM_000516.5), this variant is found within a non-coding region (c.-51026A>G). To our knowledge, this variant has not been reported in the literature. This variant is reported in 0.0033% of alleles in individuals of South Asian descent in gnomAD. At this time, the clinical significance of this variant is uncertain due to the absence of conclusive functional and genetic evidence.

NM_016592.5(GNAS):c.595A>G (p.Lys199Glu)

Genes: GNAS-AS1 (GNAS antisense RNA 1; minus strand), GNAS (GNAS complex locus; plus strand). Cytogenetic location: 20q13.32.
Variant type: single nucleotide variant.
Coding change: c.595A>G on transcript NM_016592.5 (MANE Plus Clinical); coding-DNA position 595, A replaced by G.
Protein change: p.Lys199Glu; replaces lysine 199 with glutamic acid.
Molecular consequence: missense variant. On other transcripts: 5 prime UTR variant (1).
Genome position (GRCh38, 1-based): chr20:58,840,701, A>G. VCF-style: chr20-58840701-A-G. GRCh37 (hg19) VCF-style: chr20-57415756-A-G.
Other names: c.-143A>G (NM_001410912.1); short protein forms K199E.
Identifiers: ClinVar variation 3348138 (VCV003348138.1).
Genomic context (GRCh38, chr20:58,840,701, plus strand): 5'-CCGCCCAGCACTCAGGAGCCCCAGAGCCCCAGGGAAGGGGAGGAGCTCAAGCCCGAGGAC[A>G]AAGATCCAAGGGACCCCGAAGAGTCGAAGGAGCCCAAGGAGGAGAAGCAGCGGCGTCGCT-3'
Protein context (NP_057676.1, residues 189-209): REGEELKPED[Lys199Glu]DPRDPEESKE